The following is an entry in ClinVar:

ClinVar aggregate classification (germline): Uncertain significance (1 of 4 stars; one submission).

Conditions:
Cardiovascular phenotype. Identifiers: MedGen CN230736.

gnomAD v4.1: 6 of 1,613,544 alleles (0.00037%); highest among the groups gnomAD compares: Middle Eastern, 0.05%; no homozygotes.

Submission:

Ambry Genetics
Classification: Uncertain significance for Cardiovascular phenotype. Last evaluated: 2025-05-01. Review status: criteria provided, single submitter. Criteria: Ambry Variant Classification Scheme 2023. Collection method: clinical testing. Allele origin: germline.
Comment: The p.A392V variant (also known as c.1175C>T), located in coding exon 2 of the KCNJ5 gene, results from a C to T substitution at nucleotide position 1175. The alanine at codon 392 is replaced by valine, an amino acid with similar properties. This amino acid position is poorly conserved in available vertebrate species. In addition, this alteration is predicted to be tolerated by in silico analysis. Based on the available evidence, the clinical significance of this variant remains unclear.

NM_000890.5(KCNJ5):c.1175C>T (p.Ala392Val)

Gene: KCNJ5 (potassium inwardly rectifying channel subfamily J member 5; plus strand). Cytogenetic location: 11q24.3.
Variant type: single nucleotide variant.
Coding change: c.1175C>T on transcript NM_000890.5 (MANE Select); coding-DNA position 1175, C replaced by T.
Protein change: p.Ala392Val; replaces alanine 392 with valine.
Molecular consequence: missense variant.
Genome position (GRCh38, 1-based): chr11:128,916,646, C>T. VCF-style: chr11-128916646-C-T. GRCh37 (hg19) VCF-style: chr11-128786541-C-T.
Other names: c.1175C>T, p.Ala392Val (NM_001354169.2); short protein forms A392V.
Identifiers: ClinVar variation 4041675 (VCV004041675.1).
Genomic context (GRCh38, chr11:128,916,646, plus strand): 5'-GGGAAGGCCGGCTCCTCCAGTACCTCCCCAGCCCCCCACTGCTGGGGGGCTGTGCTGAGG[C>T]AGGGCTGGATGCAGAGGCTGAGCAGAATGAAGAAGATGAGCCCAAGGGGCTGGGTGGGTC-3'
Protein context (NP_000881.3, residues 382-402): SPPLLGGCAE[Ala392Val]GLDAEAEQNE